The following is an entry in ClinVar:

ClinVar aggregate classification (germline): Uncertain significance (1 of 4 stars; one submission).

Submission:

Women's Health and Genetics/Laboratory Corporation of America, LabCorp
Classification: Uncertain significance. Last evaluated: 2025-12-26. Review status: criteria provided, single submitter. Criteria: LabCorp Variant Classification Summary - May 2015. Collection method: clinical testing. Allele origin: germline.
Comment: Variant summary: DES c.401C>T (p.Ala134Val) results in a non-conservative amino acid change in the encoded protein sequence. Algorithms developed to predict the effect of missense changes on protein structure and function are either unavailable or do not agree on the potential impact of this missense change. The variant was absent in 184794 control chromosomes. The available data on variant occurrences in the general population are insufficient to allow any conclusion about variant significance. To our knowledge, no occurrence of c.401C>T in individuals affected with DES-related conditions and no experimental evidence demonstrating its impact on protein function have been reported. No submitters have cited clinical-significance assessments for this variant to ClinVar. Based on the evidence outlined above, the variant was classified as uncertain significance.

NM_001927.4(DES):c.401C>T (p.Ala134Val)

Gene: DES (desmin; plus strand). Cytogenetic location: 2q35.
Variant type: single nucleotide variant.
Coding change: c.401C>T on transcript NM_001927.4 (MANE Select); coding-DNA position 401, C replaced by T.
Protein change: p.Ala134Val; replaces alanine 134 with valine.
Molecular consequence: missense variant.
Genome position (GRCh38, 1-based): chr2:219,418,863, C>T. VCF-style: chr2-219418863-C-T. GRCh37 (hg19) VCF-style: chr2-220283585-C-T.
Other names: c.401C>T, p.Ala134Val (NM_001382708.1, NM_001382709.1, NM_001382710.1 and 3 more transcripts); short protein forms A134V.
Identifiers: ClinVar variation 4688778 (VCV004688778.1).